The following is an entry in ClinVar:

ClinVar aggregate classification (germline): Uncertain significance. Review status: criteria provided, multiple submitters, no conflicts (2 of 4 stars). 2 submissions from 2 submitters: Uncertain significance (2). Last evaluated 2025-10-18.

Conditions:
Inborn genetic diseases. Identifiers: MedGen C0950123, MeSH D030342.

Allele frequency attached by ClinVar (database versions not stated): gnomAD 0.00001; gnomAD exomes 0.00001 and below 0.00001; TOPMed 0.00001.
gnomAD v4.1: 14 of 1,613,864 alleles (0.00087%); highest among the groups gnomAD compares: African/African-American, 0.0013%; no homozygotes.

Submissions (2):

Ambry Genetics
Classification: Uncertain significance for Inborn genetic diseases. Last evaluated: 2025-10-18. Review status: criteria provided, single submitter. Criteria: Ambry Variant Classification Scheme 2023. Collection method: clinical testing. Allele origin: germline.

GeneDx
Classification: Uncertain significance. Last evaluated: 2020-01-14. Review status: criteria provided, single submitter. Criteria: GeneDx Variant Classification Process June 2021. Collection method: clinical testing. Allele origin: germline. Affected: yes.
Comment: Not observed at a significant frequency in large population cohorts (Lek et al., 2016); In silico analysis, which includes protein predictors and evolutionary conservation, supports a deleterious effect; Has not been previously published as pathogenic or benign to our knowledge

NM_207361.6(FREM2):c.5689G>T (p.Val1897Phe)

Gene: FREM2 (FRAS1 related extracellular matrix 2; plus strand). Cytogenetic location: 13q13.3.
Variant type: single nucleotide variant.
Coding change: c.5689G>T on transcript NM_207361.6 (MANE Select); coding-DNA position 5689, G replaced by T.
Protein change: p.Val1897Phe; replaces valine 1897 with phenylalanine.
Molecular consequence: missense variant.
Genome position (GRCh38, 1-based): chr13:38,783,117, G>T. VCF-style: chr13-38783117-G-T. GRCh37 (hg19) VCF-style: chr13-39357254-G-T.
Other names: short protein forms V1897F.
Identifiers: ClinVar variation 1303383 (VCV001303383.3), dbSNP rs1213042816, ClinGen allele CA387884452.